The following is an entry in ClinVar:

NC_012920.1(MT-TV):m.1631C>T

Gene: MT-TV (mitochondrially encoded tRNA valine; plus strand).
Variant type: single nucleotide variant.
Genome position: chrM-1631-C-T.
Identifiers: ClinVar variation 689841 (VCV000689841.1), dbSNP rs1603218590, ClinGen allele CA913163296.

ClinVar aggregate classification (germline): Uncertain significance (1 of 4 stars; one submission).

Conditions:
MELAS syndrome (MELAS). Also called: Juvenile myopathy, encephalopathy, lactic acidosis, stroke. Identifiers: Orphanet 550, MedGen C0162671, MONDO:0010789, OMIM 540000.

Submission:

Wong Mito Lab, Molecular and Human Genetics, Baylor College of Medicine
Classification: Uncertain significance for MELAS syndrome. Last evaluated: 2019-07-12. Review status: criteria provided, single submitter. Criteria: Modified ACMG Guidelines (Unpublished). Collection method: clinical testing. Allele origin: germline.
Comment: The NC_012920.1:m.1631C>T variant in MT-TV gene is interpreted to be a Unknown Significance variant based on the modified ACMG guidelines (unpublished). This variant meets the following evidence codes reported in the guidelines: PM9, PP3, PP6, PP7

Literature cited by the submitters: PubMed 31965079.